The following is an entry in ClinVar:

ClinVar aggregate classification (germline): Uncertain significance (1 of 4 stars; one submission).

Conditions:
ADCY3-related disorder. Also called: ADCY3-related condition.

gnomAD v4.1: 23 of 1,614,022 alleles (0.0014%); highest among the groups gnomAD compares: Non-Finnish European, 0.0019%; no homozygotes.

Submission:

PreventionGenetics, part of Exact Sciences
Classification: Uncertain significance for ADCY3-related condition. Last evaluated: 2026-01-14. Review status: criteria provided, single submitter. Criteria: ACMG Guidelines, 2015. Collection method: clinical testing. Allele origin: germline.
Comment: The ADCY3 c.400G>C variant is predicted to result in the amino acid substitution p.Val134Leu. To our knowledge, this variant has not been reported in the literature. This variant is reported in 0.00088% of alleles in individuals of European (Non-Finnish) descent in gnomAD. At this time, the clinical significance of this variant is uncertain due to the absence of conclusive functional and genetic evidence.

NM_004036.5(ADCY3):c.400G>C (p.Val134Leu)

Gene: ADCY3 (adenylate cyclase 3; minus strand). Cytogenetic location: 2p23.3.
Variant type: single nucleotide variant.
Coding change: c.400G>C on transcript NM_004036.5 (MANE Select); coding-DNA position 400, G replaced by C.
Protein change: p.Val134Leu; replaces valine 134 with leucine.
Molecular consequence: missense variant.
Genome position (GRCh38, 1-based): chr2:24,918,588, C>G on the plus strand (G>C on the coding strand, the complement: ADCY3 is on the minus strand). VCF-style: chr2-24918588-C-G. GRCh37 (hg19) VCF-style: chr2-25141457-C-G.
Other names: c.400G>C, p.Val134Leu (NM_001320613.2, NM_001377128.1, NM_001377129.1 and 2 more transcripts); short protein forms V134L.
Identifiers: ClinVar variation 4978436 (VCV004978436.1).